The following is an entry in ClinVar:

NM_000037.4(ANK1):c.1998G>A (p.Lys666=)

Gene: ANK1 (ankyrin 1; minus strand). Cytogenetic location: 8p11.21.
Variant type: single nucleotide variant.
Coding change: c.1998G>A on transcript NM_000037.4 (MANE Select); coding-DNA position 1998, G replaced by A.
Protein change: p.Lys666=; no amino-acid change (lysine 666 retained).
Molecular consequence: synonymous variant.
Genome position (GRCh38, 1-based): chr8:41,708,778, C>T on the plus strand (G>A on the coding strand, the complement: ANK1 is on the minus strand). VCF-style: chr8-41708778-C-T. GRCh37 (hg19) VCF-style: chr8-41566296-C-T.
Other names: c.2097G>A, p.Lys699= (NM_001142446.2); c.1998G>A, p.Lys666= (NM_020475.3, NM_020476.3, NM_020477.3).
Identifiers: ClinVar variation 1163892 (VCV001163892.7), dbSNP rs2150621572, ClinGen allele CA460545244.

ClinVar aggregate classification (germline): Uncertain significance. Review status: criteria provided, multiple submitters, no conflicts (2 of 4 stars). 3 submissions from 3 submitters: Uncertain significance (3). Last evaluated 2025-04-08.

Conditions:
Hereditary spherocytosis type 1. Also called: Spherocytosis type 1; ANK1-Related Spherocytosis. Identifiers: Orphanet 822, MedGen C2674218, MONDO:0008447, OMIM 182900.

Submissions (3):

Labcorp Genetics (formerly Invitae), Labcorp
Classification: Uncertain significance. Last evaluated: 2025-04-08. Review status: criteria provided, single submitter. Criteria: Invitae Variant Classification Sherloc (09022015). Collection method: clinical testing. Allele origin: germline.
Comment: This sequence change affects codon 666 of the ANK1 mRNA. It is a 'silent' change, meaning that it does not change the encoded amino acid sequence of the ANK1 protein. This variant also falls at the last nucleotide of exon 17, which is part of the consensus splice site for this exon. This variant is not present in population databases (gnomAD no frequency). This variant has not been reported in the literature in individuals affected with ANK1-related conditions. ClinVar contains an entry for this variant (Variation ID: 1163892). Variants that disrupt the consensus splice site are a relatively common cause of aberrant splicing (PMID: 17576681, 9536098). Algorithms developed to predict the effect of sequence changes on RNA splicing suggest that this variant may disrupt the consensus splice site. In summary, the available evidence is currently insufficient to determine the role of this variant in disease. Therefore, it has been classified as a Variant of Uncertain Significance.

3billion
Classification: Uncertain significance for Hereditary spherocytosis type 1. Last evaluated: 2025-03-06. Review status: criteria provided, single submitter. Criteria: ACMG Guidelines, 2015. Collection method: clinical testing. Allele origin: germline. Affected: yes.
Comment: The variant is not observed in the gnomAD v4.1.0 dataset. Predicted Consequence/Location: Synonymous variant In silico tools predict the variant to alter splicing and produce an abnormal transcript [SpliceAI: 0.27 (>=0.2, moderate evidence for spliceogenicity)]. The variant has been reported as of uncertain significance (ClinVar ID: VCV001163892). Therefore, this variant is classified as VUS according to the recommendation of ACMG/AMP guideline.

Mayo Clinic Laboratories, Mayo Clinic
Classification: Uncertain significance. Last evaluated: 2020-08-11. Review status: criteria provided, single submitter. Criteria: ACMG Guidelines, 2015. Collection method: clinical testing. Allele origin: germline. Observed: 1 variant allele.

Literature cited by the submitters: PubMed 17576681 (cited by Labcorp Genetics (formerly Invitae), Labcorp); PubMed 9536098 (cited by Labcorp Genetics (formerly Invitae), Labcorp).